The following is an entry in ClinVar:

NM_006231.4(POLE):c.2147C>T (p.Ala716Val)

Gene: POLE (DNA polymerase epsilon, catalytic subunit; minus strand). Cytogenetic location: 12q24.33.
Variant type: single nucleotide variant.
Coding change: c.2147C>T on transcript NM_006231.4 (MANE Select); coding-DNA position 2147, C replaced by T.
Protein change: p.Ala716Val; replaces alanine 716 with valine.
Molecular consequence: missense variant.
Genome position (GRCh38, 1-based): chr12:132,668,382, G>A on the plus strand (C>T on the coding strand, the complement: POLE is on the minus strand). VCF-style: chr12-132668382-G-A. GRCh37 (hg19) VCF-style: chr12-133244968-G-A.
Other names: short protein forms A716V.
Identifiers: ClinVar variation 405671 (VCV000405671.13), dbSNP rs567031389, ClinGen allele CA6893666.

ClinVar aggregate classification (germline): Uncertain significance. Review status: criteria provided, multiple submitters, no conflicts (2 of 4 stars). 3 submissions from 3 submitters: Uncertain significance (3). Last evaluated 2026-01-18.

Conditions:
Hereditary cancer-predisposing syndrome. Also called: Hereditary Cancer Syndrome; Hereditary neoplastic syndrome; Neoplastic Syndromes, Hereditary; Tumor predisposition. Identifiers: Orphanet 140162, MedGen C0027672, MeSH D009386, MONDO:0015356.

Allele frequency attached by ClinVar (database versions not stated): gnomAD exomes below 0.00001; ExAC 0.00001; gnomAD 0.00001; TOPMed 0.00001; 1000 Genomes Project 0.00020; 1000 Genomes Project 30x 0.00031.
gnomAD v4.1: 5 of 1,595,676 alleles (0.00031%); highest among the groups gnomAD compares: East Asian, 0.0023%; no homozygotes.

Submissions (3):

Labcorp Genetics (formerly Invitae), Labcorp
Classification: Uncertain significance. Last evaluated: 2026-01-18. Review status: criteria provided, single submitter. Criteria: Invitae Variant Classification Sherloc (09022015). Collection method: clinical testing. Allele origin: germline.
Comment: This sequence change replaces alanine, which is neutral and non-polar, with valine, which is neutral and non-polar, at codon 716 of the POLE protein (p.Ala716Val). The frequency data for this variant in the population databases is considered unreliable, as metrics indicate poor data quality at this position in the gnomAD database. This variant has not been reported in the literature in individuals affected with POLE-related conditions. ClinVar contains an entry for this variant (Variation ID: 405671). Invitae Evidence Modeling of protein sequence and biophysical properties (such as structural, functional, and spatial information, amino acid conservation, physicochemical variation, residue mobility, and thermodynamic stability) indicates that this missense variant is not expected to disrupt POLE protein function with a negative predictive value of 80%. In summary, the available evidence is currently insufficient to determine the role of this variant in disease. Therefore, it has been classified as a Variant of Uncertain Significance.

Ambry Genetics
Classification: Uncertain significance for Hereditary cancer-predisposing syndrome. Last evaluated: 2025-02-14. Review status: criteria provided, single submitter. Criteria: Ambry Variant Classification Scheme 2023. Collection method: clinical testing. Allele origin: germline.
Comment: The p.A716V variant (also known as c.2147C>T), located in coding exon 19 of the POLE gene, results from a C to T substitution at nucleotide position 2147. The alanine at codon 716 is replaced by valine, an amino acid with similar properties. This amino acid position is highly conserved in available vertebrate species. In addition, this alteration is predicted to be tolerated by in silico analysis. Based on the available evidence, the clinical significance of this variant remains unclear.

GeneDx
Classification: Uncertain significance. Last evaluated: 2024-06-26. Review status: criteria provided, single submitter. Criteria: GeneDx Variant Classification Process June 2021. Collection method: clinical testing. Allele origin: germline. Affected: yes.
Comment: Not observed at significant frequency in large population cohorts (gnomAD); In silico analysis supports that this missense variant has a deleterious effect on protein structure/function; Has not been previously published as pathogenic or benign to our knowledge; In silico analysis suggests this variant may impact gene splicing. In the absence of RNA/functional studies, the actual effect of this sequence change is unknown.; This variant is associated with the following publications: (PMID: 29320758, 31034466, 20951805)